The following is an entry in ClinVar:

NM_024529.5(CDC73):c.1144C>T (p.Gln382Ter)

Gene: CDC73 (cell division cycle 73; plus strand). Cytogenetic location: 1q31.2.
Variant type: single nucleotide variant.
Coding change: c.1144C>T on transcript NM_024529.5 (MANE Select); coding-DNA position 1144, C replaced by T.
Protein change: p.Gln382Ter; replaces glutamine 382 with a stop codon.
Molecular consequence: nonsense.
Genome position (GRCh38, 1-based): chr1:193,212,467, C>T. VCF-style: chr1-193212467-C-T. GRCh37 (hg19) VCF-style: chr1-193181597-C-T.
Other names: short protein forms Q382*.
Identifiers: ClinVar variation 4631527 (VCV004631527.1).

ClinVar aggregate classification (germline): Pathogenic (1 of 4 stars; one submission).

Conditions:
Hereditary cancer-predisposing syndrome. Also called: Neoplastic Syndromes, Hereditary; Tumor predisposition; Hereditary Cancer Syndrome; Hereditary neoplastic syndrome. Identifiers: Orphanet 140162, MedGen C0027672, MeSH D009386, MONDO:0015356.

gnomAD v4.1: 1 of 1,581,790 alleles (0.000063%); highest among the groups gnomAD compares: Non-Finnish European, 0.000087%; no homozygotes.

Submission:

Ambry Genetics
Classification: Pathogenic for Hereditary cancer-predisposing syndrome. Last evaluated: 2025-10-08. Review status: criteria provided, single submitter. Criteria: Ambry Variant Classification Scheme 2023. Collection method: clinical testing. Allele origin: germline.
Comment: The p.Q382* pathogenic mutation (also known as c.1144C>T), located in coding exon 13 of the CDC73 gene, results from a C to T substitution at nucleotide position 1144. This changes the amino acid from a glutamine to a stop codon within coding exon 13. This variant is considered to be rare based on population cohorts in the Genome Aggregation Database (gnomAD). This alteration is expected to result in loss of function by premature protein truncation or nonsense-mediated mRNA decay. As such, this alteration is interpreted as a disease-causing mutation.